The following is an entry in ClinVar:

NM_001558.4(IL10RA):c.632C>T (p.Ser211Phe)

Gene: IL10RA (interleukin 10 receptor subunit alpha; plus strand). Cytogenetic location: 11q23.3.
Variant type: single nucleotide variant.
Coding change: c.632C>T on transcript NM_001558.4 (MANE Select); coding-DNA position 632, C replaced by T.
Protein change: p.Ser211Phe; replaces serine 211 with phenylalanine.
Molecular consequence: missense variant. On other transcripts: non-coding transcript variant (1).
Genome position (GRCh38, 1-based): chr11:117,994,093, C>T. VCF-style: chr11-117994093-C-T. GRCh37 (hg19) VCF-style: chr11-117864808-C-T.
Other names: short protein forms S211F.
Identifiers: ClinVar variation 945787 (VCV000945787.9), dbSNP rs143645358, ClinGen allele CA6298996.

ClinVar aggregate classification (germline): Uncertain significance (1 of 4 stars; one submission).

Conditions:
Inflammatory bowel disease 28. Also called: Inflammatory bowel disease 28, early onset, autosomal recessive. Identifiers: Orphanet 238569, MedGen C2751053, MONDO:0013153, OMIM 613148.

Allele frequency attached by ClinVar (database versions not stated): gnomAD exomes below 0.00001; TOPMed below 0.00001; ExAC 0.00001; ESP Exome Variant Server 0.00008.

Submission:

Labcorp Genetics (formerly Invitae), Labcorp
Classification: Uncertain significance for Inflammatory bowel disease 28. Last evaluated: 2019-07-15. Review status: criteria provided, single submitter. Criteria: Invitae Variant Classification Sherloc (09022015). Collection method: clinical testing. Allele origin: germline.
Comment: This sequence change replaces serine with phenylalanine at codon 211 of the IL10RA protein (p.Ser211Phe). The serine residue is highly conserved and there is a large physicochemical difference between serine and phenylalanine. This variant is present in population databases (rs143645358, ExAC 0.001%). This variant has been observed in an individual affected with early onset inflammatory bowel disease (PMID: 28930861). Algorithms developed to predict the effect of missense changes on protein structure and function (SIFT, PolyPhen-2, Align-GVGD) all suggest that this variant is likely to be disruptive, but these predictions have not been confirmed by published functional studies and their clinical significance is uncertain. In summary, the available evidence is currently insufficient to determine the role of this variant in disease. Therefore, it has been classified as a Variant of Uncertain Significance.

Literature cited by the submitters: PubMed 28930861.